The following is an entry in ClinVar:

ClinVar aggregate classification (germline): Uncertain significance (1 of 4 stars; one submission).

Submission:

Labcorp Genetics (formerly Invitae), Labcorp
Classification: Uncertain significance. Last evaluated: 2025-04-14. Review status: criteria provided, single submitter. Criteria: Invitae Variant Classification Sherloc (09022015). Collection method: clinical testing. Allele origin: germline.
Comment: This sequence change replaces isoleucine, which is neutral and non-polar, with leucine, which is neutral and non-polar, at codon 833 of the DNA2 protein (p.Ile833Leu). This variant is not present in population databases (gnomAD no frequency). This variant has not been reported in the literature in individuals affected with DNA2-related conditions. ClinVar contains an entry for this variant (Variation ID: 2801571). Invitae Evidence Modeling of protein sequence and biophysical properties (such as structural, functional, and spatial information, amino acid conservation, physicochemical variation, residue mobility, and thermodynamic stability) indicates that this missense variant is not expected to disrupt DNA2 protein function with a negative predictive value of 80%. In summary, the available evidence is currently insufficient to determine the role of this variant in disease. Therefore, it has been classified as a Variant of Uncertain Significance.

NM_001080449.3(DNA2):c.2497A>C (p.Ile833Leu)

Gene: DNA2 (DNA replication helicase/nuclease 2; minus strand). Cytogenetic location: 10q21.3.
Variant type: single nucleotide variant.
Coding change: c.2497A>C on transcript NM_001080449.3 (MANE Select); coding-DNA position 2497, A replaced by C.
Protein change: p.Ile833Leu; replaces isoleucine 833 with leucine.
Molecular consequence: missense variant. On other transcripts: non-coding transcript variant (1).
Genome position (GRCh38, 1-based): chr10:68,422,425, T>G on the plus strand (A>C on the coding strand, the complement: DNA2 is on the minus strand). VCF-style: chr10-68422425-T-G. GRCh37 (hg19) VCF-style: chr10-70182182-T-G.
Other names: short protein forms I833L.
Identifiers: ClinVar variation 2801571 (VCV002801571.3), dbSNP rs2493902904, ClinGen allele CA376846569.